The following is an entry in ClinVar:

ClinVar aggregate classification (germline): Benign/Likely benign. Review status: criteria provided, multiple submitters, no conflicts (2 of 4 stars). 4 submissions from 4 submitters: Benign (1); Likely benign (2). 1 of the submissions does not count toward it. Last evaluated 2026-01-26.

Conditions:
NDST1-related disorder. Also called: NDST1-related condition.

Allele frequency attached by ClinVar (database versions not stated): gnomAD exomes 0.00011 and 0.00021; ExAC 0.00026; ESP Exome Variant Server 0.00077; gnomAD 0.00095 and 0.00099; TOPMed 0.00095.
gnomAD v4.1: 297 of 1,613,198 alleles (0.018%); highest among the groups gnomAD compares: African/African-American, 0.32%; 3 homozygotes.

Submissions (4):

Labcorp Genetics (formerly Invitae), Labcorp
Classification: Benign. Last evaluated: 2026-01-26. Review status: criteria provided, single submitter. Criteria: Invitae Variant Classification Sherloc (09022015). Collection method: clinical testing. Allele origin: germline.

Blueprint Genetics
Classification: Likely benign. Last evaluated: 2024-02-19. Review status: criteria provided, single submitter. Criteria: ACMG Guidelines, 2015. Collection method: clinical testing. Allele origin: germline.

Genetic Services Laboratory, University of Chicago
Classification: Likely benign. Last evaluated: 2016-08-05. Review status: criteria provided, single submitter. Criteria: ACMG Guidelines, 2015. Collection method: clinical testing. Allele origin: germline. Affected: no.

PreventionGenetics, part of Exact Sciences
Classification: Likely benign for NDST1-related condition. Last evaluated: 2019-07-12. Review status: no assertion criteria provided. Collection method: clinical testing. Allele origin: germline. Not counted in ClinVar's aggregate classification.
Comment: This variant is classified as likely benign based on ACMG/AMP sequence variant interpretation guidelines (Richards et al. 2015 PMID: 25741868, with internal and published modifications).

NM_001543.5(NDST1):c.144G>A (p.Ser48=)

Gene: NDST1 (N-deacetylase and N-sulfotransferase 1; plus strand). Cytogenetic location: 5q33.1.
Variant type: single nucleotide variant.
Coding change: c.144G>A on transcript NM_001543.5 (MANE Select); coding-DNA position 144, G replaced by A.
Protein change: p.Ser48=; no amino-acid change (serine 48 retained).
Molecular consequence: synonymous variant.
Genome position (GRCh38, 1-based): chr5:150,521,398, G>A. VCF-style: chr5-150521398-G-A. GRCh37 (hg19) VCF-style: chr5-149900960-G-A.
Other names: c.144G>A, p.Ser48= (NM_001301063.2).
Identifiers: ClinVar variation 435942 (VCV000435942.11), dbSNP rs144715747, ClinGen allele CA3512335.